The following is an entry in ClinVar:

ClinVar aggregate classification (germline): Likely benign. Review status: criteria provided, multiple submitters, no conflicts (2 of 4 stars). 7 submissions from 6 submitters: Likely benign (6). 1 of the submissions does not count toward it. Last evaluated 2026-01-12.

Conditions:
ZNF469-related disorder. Also called: ZNF469-related condition.
Cardiovascular phenotype. Identifiers: MedGen CN230736.

Allele frequency attached by ClinVar (database versions not stated): gnomAD 0.00006; TOPMed 0.00012; gnomAD exomes 0.00015; ESP Exome Variant Server 0.00022; ExAC 0.00027.
gnomAD v4.1: 141 of 1,550,040 alleles (0.0091%); highest among the groups gnomAD compares: South Asian, 0.011%; no homozygotes.

Submissions (7):

Labcorp Genetics (formerly Invitae), Labcorp
Classification: Likely benign. Last evaluated: 2026-01-12. Review status: criteria provided, single submitter. Criteria: Invitae Variant Classification Sherloc (09022015). Collection method: clinical testing. Allele origin: germline.

Mayo Clinic Laboratories, Mayo Clinic
Classification: Likely benign. Last evaluated: 2025-08-19. Review status: criteria provided, single submitter. Criteria: ACMG Guidelines, 2015. Collection method: clinical testing. Allele origin: germline. Observed: 1 variant allele.
Comment: BP4, BP7

CeGaT Center for Human Genetics Tuebingen
Classification: Likely benign. Last evaluated: 2025-05-01. Review status: criteria provided, single submitter. Criteria: CeGaT Center For Human Genetics Tuebingen Variant Classification Criteria Version 2. Collection method: clinical testing. Allele origin: germline. Affected: yes. Observed: 2 variant alleles.
Comment: ZNF469: BP4, BP7

PreventionGenetics, part of Exact Sciences
Classification: Likely benign for ZNF469-related condition. Last evaluated: 2025-01-13. Review status: criteria provided, single submitter. Criteria: ACMG Guidelines, 2015. Collection method: clinical testing. Allele origin: germline.
Comment: This variant is classified as likely benign based on ACMG/AMP sequence variant interpretation guidelines (Richards et al. 2015 PMID: 25741868, with internal and published modifications).

Ambry Genetics
Classification: Likely benign for Cardiovascular phenotype. Last evaluated: 2022-02-11. Review status: criteria provided, single submitter. Criteria: Ambry Variant Classification Scheme 2023. Collection method: clinical testing. Allele origin: germline.

GeneDx
Classification: Likely benign. Last evaluated: 2020-07-29. Review status: criteria provided, single submitter. Criteria: GeneDx Variant Classification Process June 2021. Collection method: clinical testing. Allele origin: germline. Affected: yes.

GeneDx
Classification: Likely benign. Last evaluated: 2016-12-08. Review status: flagged submission. Criteria: GeneDx Variant Classification (06012015). Collection method: clinical testing. Allele origin: germline. Affected: yes. Not counted in ClinVar's aggregate classification.
Comment: This variant is considered likely benign or benign based on one or more of the following criteria: it is a conservative change, it occurs at a poorly conserved position in the protein, it is predicted to be benign by multiple in silico algorithms, and/or has population frequency not consistent with disease.
ClinVar note: Reason: This record appears to be redundant with a more recent record from the same submitter.
ClinVar note: Notes: SCV000492388 appears to be redundant with SCV001790292.

NM_001367624.2(ZNF469):c.8409C>T (p.Pro2803=)

Gene: ZNF469 (zinc finger protein 469; plus strand). Cytogenetic location: 16q24.2.
Variant type: single nucleotide variant.
Coding change: c.8409C>T on transcript NM_001367624.2 (MANE Select); coding-DNA position 8409, C replaced by T.
Protein change: p.Pro2803=; no amino-acid change (proline 2803 retained).
Molecular consequence: synonymous variant.
Genome position (GRCh38, 1-based): chr16:88,435,879, C>T. VCF-style: chr16-88435879-C-T. GRCh37 (hg19) VCF-style: chr16-88502287-C-T.
Other names: NM_001127464.1:c.8325C>T; p.Pro2803=; NM_001127464.2:c.8325C>T.
Identifiers: ClinVar variation 373767 (VCV000373767.53), dbSNP rs376502074, ClinGen allele CA8225333.